The following is an entry in ClinVar:

ClinVar aggregate classification (germline): Uncertain significance (1 of 4 stars; one submission).

Conditions:
Inclusion body myopathy with Paget disease of bone and frontotemporal dementia. Also called: Inclusion body myopathy with early-onset Paget disease and frontotemporal dementia. Identifiers: Orphanet 52430, MedGen C1833662, MONDO:0000507.
Frontotemporal dementia and/or amyotrophic lateral sclerosis 6 (FTDALS6). Also called: VCP-Related Amyotrophic Lateral Sclerosis/Frontotemporal Dementia; VCP-Related Amyotrophic Lateral Sclerosis. Identifiers: Orphanet 275872, Orphanet 803, MedGen C5436279, MONDO:0013501, OMIM 613954.

Submission:

Labcorp Genetics (formerly Invitae), Labcorp
Classification: Uncertain significance for Inclusion body myopathy with Paget disease of bone and frontotemporal dementia; Frontotemporal dementia and/or amyotrophic lateral sclerosis 6. Last evaluated: 2021-11-04. Review status: criteria provided, single submitter. Criteria: Invitae Variant Classification Sherloc (09022015). Collection method: clinical testing. Allele origin: germline.
Comment: This sequence change replaces histidine, which is basic and polar, with leucine, which is neutral and non-polar, at codon 226 of the VCP protein (p.His226Leu). This variant is not present in population databases (gnomAD no frequency). This variant has not been reported in the literature in individuals affected with VCP-related conditions. Algorithms developed to predict the effect of missense changes on protein structure and function are either unavailable or do not agree on the potential impact of this missense change (SIFT: "Not Available"; PolyPhen-2: "Possibly Damaging"; Align-GVGD: "Not Available"). In summary, the available evidence is currently insufficient to determine the role of this variant in disease. Therefore, it has been classified as a Variant of Uncertain Significance.

NM_007126.5(VCP):c.677A>T (p.His226Leu)

Gene: VCP (valosin containing protein; minus strand). Cytogenetic location: 9p13.3.
Variant type: single nucleotide variant.
Coding change: c.677A>T on transcript NM_007126.5 (MANE Select); coding-DNA position 677, A replaced by T.
Protein change: p.His226Leu; replaces histidine 226 with leucine.
Molecular consequence: missense variant.
Genome position (GRCh38, 1-based): chr9:35,064,185, T>A on the plus strand (A>T on the coding strand, the complement: VCP is on the minus strand). VCF-style: chr9-35064185-T-A. GRCh37 (hg19) VCF-style: chr9-35064182-T-A.
Other names: c.542A>T, p.His181Leu (NM_001354927.2, NM_001354928.2); short protein forms H226L, H181L.
Identifiers: ClinVar variation 1391195 (VCV001391195.6), dbSNP rs2131035134, ClinGen allele CA373286647.